The following is an entry in ClinVar:

NM_032119.4(ADGRV1):c.4626T>G (p.Ile1542Met)

Gene: ADGRV1 (adhesion G protein-coupled receptor V1; plus strand). Cytogenetic location: 5q14.3.
Variant type: single nucleotide variant.
Coding change: c.4626T>G on transcript NM_032119.4 (MANE Select); coding-DNA position 4626, T replaced by G.
Protein change: p.Ile1542Met; replaces isoleucine 1542 with methionine.
Molecular consequence: missense variant. On other transcripts: non-coding transcript variant (1).
Genome position (GRCh38, 1-based): chr5:90,658,152, T>G. VCF-style: chr5-90658152-T-G. GRCh37 (hg19) VCF-style: chr5-89953969-T-G.
Other names: short protein forms I1542M.
Identifiers: ClinVar variation 1524117 (VCV001524117.8), dbSNP rs1182235043, ClinGen allele CA360404406.
Genomic context (GRCh38, chr5:90,658,152, plus strand): 5'-CAAATCATTCATTATTTCTGCAAGAGATGACAATGACGAGGAAGGAGAAGAATTATTCAT[T>G]CTTAAACTAGTTTCTGTATATGGAGGAGCTCGTATTTCGGAAGAAAATACTACTGCAAGA-3'
Protein context (NP_115495.3, residues 1532-1552): DNDEEGEELF[Ile1542Met]LKLVSVYGGA

ClinVar aggregate classification (germline): Uncertain significance (1 of 4 stars; one submission).

Submission:

Labcorp Genetics (formerly Invitae), Labcorp
Classification: Uncertain significance. Last evaluated: 2023-10-13. Review status: criteria provided, single submitter. Criteria: Invitae Variant Classification Sherloc (09022015). Collection method: clinical testing. Allele origin: germline.
Comment: This sequence change replaces isoleucine, which is neutral and non-polar, with methionine, which is neutral and non-polar, at codon 1542 of the ADGRV1 protein (p.Ile1542Met). This variant is not present in population databases (gnomAD no frequency). This variant has not been reported in the literature in individuals affected with ADGRV1-related conditions. ClinVar contains an entry for this variant (Variation ID: 1524117). Advanced modeling of protein sequence and biophysical properties (such as structural, functional, and spatial information, amino acid conservation, physicochemical variation, residue mobility, and thermodynamic stability) performed at Invitae indicates that this missense variant is not expected to disrupt ADGRV1 protein function. In summary, the available evidence is currently insufficient to determine the role of this variant in disease. Therefore, it has been classified as a Variant of Uncertain Significance.